The following is an entry in ClinVar:

NM_001197104.2(KMT2A):c.9841T>C (p.Ser3281Pro)

Gene: KMT2A (lysine methyltransferase 2A; plus strand). Cytogenetic location: 11q23.3.
Variant type: single nucleotide variant.
Coding change: c.9841T>C on transcript NM_001197104.2 (MANE Select); coding-DNA position 9841, T replaced by C.
Protein change: p.Ser3281Pro; replaces serine 3281 with proline.
Molecular consequence: missense variant.
Genome position (GRCh38, 1-based): chr11:118,505,733, T>C. VCF-style: chr11-118505733-T-C. GRCh37 (hg19) VCF-style: chr11-118376448-T-C.
Other names: c.9931T>C, p.Ser3311Pro (NM_001412597.1); c.9832T>C, p.Ser3278Pro (NM_005933.4); short protein forms S3278P, S3281P, S3311P.
Identifiers: ClinVar variation 4535321 (VCV004535321.6).

ClinVar aggregate classification (germline): Uncertain significance (1 of 4 stars; one submission).

gnomAD v4.1: 1 of 1,614,166 alleles (0.000062%); no homozygotes.

Submission:

CeGaT Center for Human Genetics Tuebingen
Classification: Uncertain significance. Last evaluated: 2025-11-01. Review status: criteria provided, single submitter. Criteria: CeGaT Center For Human Genetics Tuebingen Variant Classification Criteria Version 2. Collection method: clinical testing. Allele origin: germline. Affected: yes. Observed: 1 variant allele.
Comment: KMT2A: PM2